The following is an entry in ClinVar:

ClinVar aggregate classification (germline): Uncertain significance (1 of 4 stars; one submission).

Submission:

Labcorp Genetics (formerly Invitae), Labcorp
Classification: Uncertain significance. Last evaluated: 2022-09-03. Review status: criteria provided, single submitter. Criteria: Invitae Variant Classification Sherloc (09022015). Collection method: clinical testing. Allele origin: germline.
Comment: This variant is a gross deletion of the genomic region encompassing exon(s) 2 of the HOXB13 gene, which includes the termination codon. This deletion extends beyond the assayed region for this gene and therefore may encompass additional genes. While this deletion is not anticipated to lead to nonsense mediated decay, it is expected to alter mRNA translation or result in a truncated protein product. This variant has not been reported in the literature in individuals affected with HOXB13-related conditions. Experimental studies and prediction algorithms are not available or were not evaluated, and the functional significance of this variant is currently unknown. In summary, the available evidence is currently insufficient to determine the role of this variant in disease. Therefore, it has been classified as a Variant of Uncertain Significance.

NC_000017.10:g.(?_46804152)_(46804415_?)del

Gene: HOXB13 (homeobox B13; minus strand). Cytogenetic location: 17q21.32.
Variant type: Deletion.
Identifiers: ClinVar variation 999999 (VCV000999999.2).